The following is an entry in ClinVar:

NM_001374259.2(IL12RB2):c.1538T>C (p.Leu513Pro)

Gene: IL12RB2 (interleukin 12 receptor subunit beta 2; plus strand). Cytogenetic location: 1p31.3.
Variant type: single nucleotide variant.
Coding change: c.1538T>C on transcript NM_001374259.2 (MANE Select); coding-DNA position 1538, T replaced by C.
Protein change: p.Leu513Pro; replaces leucine 513 with proline.
Molecular consequence: missense variant. On other transcripts: non-coding transcript variant (2), intron variant (1).
Genome position (GRCh38, 1-based): chr1:67,372,514, T>C. VCF-style: chr1-67372514-T-C. GRCh37 (hg19) VCF-style: chr1-67838197-T-C.
Other names: c.1538T>C, p.Leu513Pro (NM_001258214.1, NM_001258216.1, NM_001319233.1 and 1 more transcripts); c.1459+4489T>C (NM_001258215.1); short protein forms L513P.
Identifiers: ClinVar variation 4724088 (VCV004724088.1).

ClinVar aggregate classification (germline): Uncertain significance (1 of 4 stars; one submission).

Submission:

Labcorp Genetics (formerly Invitae), Labcorp
Classification: Uncertain significance. Last evaluated: 2025-12-25. Review status: criteria provided, single submitter. Criteria: Invitae Variant Classification Sherloc (09022015). Collection method: clinical testing. Allele origin: germline.
Comment: This sequence change replaces leucine, which is neutral and non-polar, with proline, which is neutral and non-polar, at codon 513 of the IL12RB2 protein (p.Leu513Pro). This variant is not present in population databases (gnomAD no frequency). This variant has not been reported in the literature in individuals affected with IL12RB2-related conditions. An algorithm developed to predict the effect of missense changes on protein structure and function (PolyPhen-2) suggests that this variant is likely to be disruptive. In summary, the available evidence is currently insufficient to determine the role of this variant in disease. Therefore, it has been classified as a Variant of Uncertain Significance.